The following is an entry in ClinVar:

ClinVar aggregate classification (germline): Benign. Review status: criteria provided, multiple submitters, no conflicts (2 of 4 stars). 2 submissions from 2 submitters: Benign (2). Last evaluated 2018-06-19.

Allele frequency attached by ClinVar (database versions not stated): gnomAD exomes 0.00224; gnomAD 0.02322 and 0.02530; 1000 Genomes Project 0.02536; TOPMed 0.02636; 1000 Genomes Project 30x 0.02748; ESP Exome Variant Server 0.02760.
gnomAD v4.1: 6,311 of 1,344,052 alleles (0.47%); highest among the groups gnomAD compares: African/African-American, 8%; 234 homozygotes.

Submissions (2):

GeneDx
Classification: Benign. Last evaluated: 2018-06-19. Review status: criteria provided, single submitter. Criteria: GeneDx Variant Classification (06012015). Collection method: clinical testing. Allele origin: germline. Affected: yes.
Comment: This variant is considered likely benign or benign based on one or more of the following criteria: it is a conservative change, it occurs at a poorly conserved position in the protein, it is predicted to be benign by multiple in silico algorithms, and/or has population frequency not consistent with disease.

Breakthrough Genomics
Classification: Benign. Review status: criteria provided, single submitter. Criteria: ACMG Guidelines, 2015. Collection method: not provided. Allele origin: germline. Inheritance: Autosomal recessive inheritance. Affected: yes.

NM_005506.4(SCARB2):c.1187+57G>A

Gene: SCARB2 (scavenger receptor class B member 2; minus strand). Cytogenetic location: 4q21.1.
Variant type: single nucleotide variant.
Coding change: c.1187+57G>A on transcript NM_005506.4 (MANE Select); 57 bases into the intron after coding-DNA position 1187, G replaced by A.
Molecular consequence: intron variant.
Genome position (GRCh38, 1-based): chr4:76,168,346, C>T on the plus strand (G>A on the coding strand, the complement: SCARB2 is on the minus strand). VCF-style: chr4-76168346-C-T. GRCh37 (hg19) VCF-style: chr4-77089499-C-T.
Other names: c.758+57G>A (NM_001204255.2).
Identifiers: ClinVar variation 670737 (VCV000670737.2), dbSNP rs75217148, ClinGen allele CA99887758.